The following is an entry in ClinVar:

NM_004134.7(HSPA9):c.198C>T (p.Cys66=)

Gene: HSPA9 (heat shock protein family A (Hsp70) member 9; minus strand). Cytogenetic location: 5q31.2.
Variant type: single nucleotide variant.
Coding change: c.198C>T on transcript NM_004134.7 (MANE Select); coding-DNA position 198, C replaced by T.
Protein change: p.Cys66=; no amino-acid change (cysteine 66 retained).
Molecular consequence: synonymous variant.
Genome position (GRCh38, 1-based): chr5:138,573,793, G>A on the plus strand (C>T on the coding strand, the complement: HSPA9 is on the minus strand). VCF-style: chr5-138573793-G-A. GRCh37 (hg19) VCF-style: chr5-137909482-G-A.
Identifiers: ClinVar variation 4280861 (VCV004280861.7).

ClinVar aggregate classification (germline): Likely benign (1 of 4 stars; one submission).

gnomAD v4.1: 45 of 1,612,308 alleles (0.0028%); highest among the groups gnomAD compares: Middle Eastern, 0.049%; no homozygotes.

Submission:

CeGaT Center for Human Genetics Tuebingen
Classification: Likely benign. Last evaluated: 2025-09-01. Review status: criteria provided, single submitter. Criteria: CeGaT Center For Human Genetics Tuebingen Variant Classification Criteria Version 2. Collection method: clinical testing. Allele origin: germline. Affected: yes. Observed: 1 variant allele.
Comment: HSPA9: BP4, BP7